The following is an entry in ClinVar:

ClinVar aggregate classification (germline): Uncertain significance (1 of 4 stars; one submission).

Conditions:
Inborn genetic diseases. Identifiers: MedGen C0950123, MeSH D030342.

Submission:

Ambry Genetics
Classification: Uncertain significance for Inborn genetic diseases. Last evaluated: 2024-05-21. Review status: criteria provided, single submitter. Criteria: Ambry Variant Classification Scheme 2023. Collection method: clinical testing. Allele origin: germline.
Comment: The c.1241+2T>G intronic variant results from a T to G substitution two nucleotides after exon 11 (coding exon 9) of the ODC1 gene. Alterations that disrupt the canonical splice site are expected to cause aberrant splicing, resulting in an abnormal protein or a transcript that is subject to nonsense-mediated mRNA decay. However, loss of function of ODC1 has not been established as a mechanism of disease. This variant was not reported in population-based cohorts in the Genome Aggregation Database (gnomAD). Another alteration impacting the same donor site (c.1241+1G>T) was reported de novo in an individual with features consistent with Bachmann-Bupp syndrome (Rodan, 2018). This nucleotide position is highly conserved in available vertebrate species. In silico splice site analysis predicts that this alteration will weaken the native splice donor site and will result in the creation or strengthening of a novel splice donor site. Based on insufficient or conflicting evidence, the clinical significance of this alteration remains unclear.

Literature cited by the submitters: PubMed 30475435.

NM_002539.3(ODC1):c.1241+2T>G

Gene: ODC1 (ornithine decarboxylase 1; minus strand). Cytogenetic location: 2p25.1.
Variant type: single nucleotide variant.
Coding change: c.1241+2T>G on transcript NM_002539.3 (MANE Select); the canonical splice donor site of the intron after coding-DNA position 1241, T replaced by G.
Molecular consequence: splice donor variant.
Genome position (GRCh38, 1-based): chr2:10,441,507, A>C on the plus strand (T>G on the coding strand, the complement: ODC1 is on the minus strand). VCF-style: chr2-10441507-A-C. GRCh37 (hg19) VCF-style: chr2-10581633-A-C.
Other names: c.854+2T>G (NM_001287188.2); c.1241+2T>G (NM_001287190.2, NM_001287189.2).
Identifiers: ClinVar variation 3302172 (VCV003302172.1).
Genomic context (GRCh38, chr2:10,441,507, plus strand): 5'-AAGCACACATCCAAGAAGGTGCCTATTCTTGGCAGCACCATCAACATGCATGGCTTACTT[A>C]CCACGCAGGCCCTGACATCACATAGTAGATCGTCGGCCTCTGGAAGCCATTGAACGTAGA-3'